The following is an entry in ClinVar:

ClinVar aggregate classification (germline): Uncertain significance (1 of 4 stars; one submission).

Submission:

Women's Health and Genetics/Laboratory Corporation of America, LabCorp
Classification: Uncertain significance. Last evaluated: 2025-06-20. Review status: criteria provided, single submitter. Criteria: LabCorp Variant Classification Summary - May 2015. Collection method: clinical testing. Allele origin: germline.
Comment: Variant summary: ADGRV1 c.5857A>C (p.Ser1953Arg) results in a non-conservative amino acid change in the encoded protein sequence. Algorithms developed to predict the effect of missense changes on protein structure and function are either unavailable or do not agree on the potential impact of this missense change. The variant was absent in 248754 control chromosomes (gnomAD). The available data on variant occurrences in the general population are insufficient to allow any conclusion about variant significance. c.5857A>C has been observed in at least one individual affected with clinical features of ADGRV1-Related Disorders (Myers_2018). These data do not allow any conclusion about variant significance. To our knowledge, no experimental evidence demonstrating an impact on protein function has been reported. The following publications have been ascertained in the context of this evaluation (PMID: 34744978, 34160719, 29266188, 35813073). No submitters have cited clinical-significance assessments for this variant to ClinVar. Based on the evidence outlined above, the variant was classified as uncertain significance.

Literature cited by the submitters: PubMed 35813073; PubMed 34744978; PubMed 34160719; PubMed 29266188.

NM_032119.4(ADGRV1):c.5857A>C (p.Ser1953Arg)

Gene: ADGRV1 (adhesion G protein-coupled receptor V1; plus strand). Cytogenetic location: 5q14.3.
Variant type: single nucleotide variant.
Coding change: c.5857A>C on transcript NM_032119.4 (MANE Select); coding-DNA position 5857, A replaced by C.
Protein change: p.Ser1953Arg; replaces serine 1953 with arginine.
Molecular consequence: missense variant. On other transcripts: non-coding transcript variant (1).
Genome position (GRCh38, 1-based): chr5:90,683,778, A>C. VCF-style: chr5-90683778-A-C. GRCh37 (hg19) VCF-style: chr5-89979595-A-C.
Other names: short protein forms S1953R.
Identifiers: ClinVar variation 3907615 (VCV003907615.1).